The following is an entry in ClinVar:

ClinVar aggregate classification (germline): Uncertain significance (1 of 4 stars; one submission).

Allele frequency attached by ClinVar (database versions not stated): TOPMed below 0.00001; gnomAD exomes 0.00001.

Submission:

Labcorp Genetics (formerly Invitae), Labcorp
Classification: Uncertain significance. Last evaluated: 2022-11-04. Review status: criteria provided, single submitter. Criteria: Invitae Variant Classification Sherloc (09022015). Collection method: clinical testing. Allele origin: germline.
Comment: In summary, the available evidence is currently insufficient to determine the role of this variant in disease. Therefore, it has been classified as a Variant of Uncertain Significance. Algorithms developed to predict the effect of sequence changes on RNA splicing suggest that this variant is not likely to affect RNA splicing. This variant has not been reported in the literature in individuals affected with KLF11-related conditions. This variant is not present in population databases (gnomAD no frequency). This sequence change affects codon 14 of the KLF11 mRNA. It is a 'silent' change, meaning that it does not change the encoded amino acid sequence of the KLF11 protein. It affects a nucleotide within the consensus splice site.

NM_003597.5(KLF11):c.42A>G (p.Ala14=)

Gene: KLF11 (KLF transcription factor 11; plus strand). Cytogenetic location: 2p25.1.
Variant type: single nucleotide variant.
Coding change: c.42A>G on transcript NM_003597.5 (MANE Select); coding-DNA position 42, A replaced by G.
Protein change: p.Ala14=; no amino-acid change (alanine 14 retained).
Molecular consequence: synonymous variant.
Genome position (GRCh38, 1-based): chr2:10,043,758, A>G. VCF-style: chr2-10043758-A-G. GRCh37 (hg19) VCF-style: chr2-10183885-A-G.
Identifiers: ClinVar variation 2979566 (VCV002979566.3), dbSNP rs950652855, ClinGen allele CA42424232.